The following is an entry in ClinVar:

ClinVar aggregate classification (germline): Uncertain significance. Review status: criteria provided, multiple submitters, no conflicts (2 of 4 stars). 2 submissions from 2 submitters: Uncertain significance (2). Last evaluated 2025-09-02.

Allele frequency attached by ClinVar (database versions not stated): TOPMed below 0.00001; ExAC 0.00001; gnomAD 0.00001; gnomAD exomes 0.00001.
gnomAD v4.1: 10 of 1,611,948 alleles (0.00062%); highest among the groups gnomAD compares: Admixed American, 0.013%; no homozygotes.

Submissions (2):

Labcorp Genetics (formerly Invitae), Labcorp
Classification: Uncertain significance. Last evaluated: 2025-09-02. Review status: criteria provided, single submitter. Criteria: Invitae Variant Classification Sherloc (09022015). Collection method: clinical testing. Allele origin: germline.
Comment: This sequence change replaces proline, which is neutral and non-polar, with leucine, which is neutral and non-polar, at codon 266 of the WNT3A protein (p.Pro266Leu). This variant is present in population databases (rs755419088, gnomAD 0.009%). This variant has not been reported in the literature in individuals affected with WNT3A-related conditions. ClinVar contains an entry for this variant (Variation ID: 1991891). Invitae Evidence Modeling of protein sequence and biophysical properties (such as structural, functional, and spatial information, amino acid conservation, physicochemical variation, residue mobility, and thermodynamic stability) indicates that this missense variant is not expected to disrupt WNT3A protein function with a negative predictive value of 80%. In summary, the available evidence is currently insufficient to determine the role of this variant in disease. Therefore, it has been classified as a Variant of Uncertain Significance.

Ambry Genetics
Classification: Uncertain significance. Last evaluated: 2024-01-19. Review status: criteria provided, single submitter. Criteria: Ambry Variant Classification Scheme 2023. Collection method: clinical testing. Allele origin: germline.

NM_033131.4(WNT3A):c.797C>T (p.Pro266Leu)

Gene: WNT3A (Wnt family member 3A; plus strand). Cytogenetic location: 1q42.13.
Variant type: single nucleotide variant.
Coding change: c.797C>T on transcript NM_033131.4 (MANE Select); coding-DNA position 797, C replaced by T.
Protein change: p.Pro266Leu; replaces proline 266 with leucine.
Molecular consequence: missense variant.
Genome position (GRCh38, 1-based): chr1:228,059,203, C>T. VCF-style: chr1-228059203-C-T. GRCh37 (hg19) VCF-style: chr1-228246904-C-T.
Other names: c.797C>T (NM_033131.3); short protein forms P266L.
Identifiers: ClinVar variation 1991891 (VCV001991891.5), dbSNP rs755419088, ClinGen allele CA1429541.